The following is an entry in ClinVar:

ClinVar aggregate classification (germline): Likely benign. Review status: criteria provided, multiple submitters, no conflicts (2 of 4 stars). 2 submissions from 2 submitters: Likely benign (2). Last evaluated 2026-01-19.

Allele frequency attached by ClinVar (database versions not stated): gnomAD exomes 0.00007 and 0.00024; gnomAD 0.00013; TOPMed 0.00014; 1000 Genomes Project 0.00020; ExAC 0.00020; 1000 Genomes Project 30x 0.00047.

Submissions (2):

Women's Health and Genetics/Laboratory Corporation of America, LabCorp
Classification: Likely benign. Last evaluated: 2026-01-19. Review status: criteria provided, single submitter. Criteria: LabCorp Variant Classification Summary - May 2015. Collection method: clinical testing. Allele origin: germline.
Comment: Variant summary: OBSL1 c.3337C>T (p.Arg1113Cys) results in a non-conservative amino acid change in the encoded protein sequence. Algorithms developed to predict the effect of missense changes on protein structure and function are either unavailable or do not agree on the potential impact of this missense change. The variant allele was found at a frequency of 0.00024 in 245000 control chromosomes, predominantly at a frequency of 0.0034 within the East Asian subpopulation in the gnomAD database. The observed variant frequency within East Asian control individuals in the gnomAD database exceeds the estimated maximal expected allele frequency for disease-causing variants in OBSL1. c.3337C>T has been observed in an individual affected with Dwarfism, without strong evidence for causality (Yang_2021). This report does not provide unequivocal conclusions about association of the variant with Three M Syndrome 2. To our knowledge, no experimental evidence demonstrating an impact on protein function has been reported. The following publication has been ascertained in the context of this evaluation (PMID: 33728303). ClinVar contains an entry for this variant (Variation ID: 1583751). Based on the evidence outlined above, the variant was classified as likely benign.

Labcorp Genetics (formerly Invitae), Labcorp
Classification: Likely benign. Last evaluated: 2025-07-07. Review status: criteria provided, single submitter. Criteria: Invitae Variant Classification Sherloc (09022015). Collection method: clinical testing. Allele origin: germline.

Literature cited by the submitters: PubMed 33728303 (cited by Women's Health and Genetics/Laboratory Corporation of America, LabCorp).

NM_015311.3(OBSL1):c.3337C>T (p.Arg1113Cys)

Gene: OBSL1 (obscurin like cytoskeletal adaptor 1; minus strand). Cytogenetic location: 2q35.
Variant type: single nucleotide variant.
Coding change: c.3337C>T on transcript NM_015311.3 (MANE Select); coding-DNA position 3337, C replaced by T.
Protein change: p.Arg1113Cys; replaces arginine 1113 with cysteine.
Molecular consequence: missense variant.
Genome position (GRCh38, 1-based): chr2:219,558,349, G>A on the plus strand (C>T on the coding strand, the complement: OBSL1 is on the minus strand). VCF-style: chr2-219558349-G-A. GRCh37 (hg19) VCF-style: chr2-220423071-G-A.
Other names: c.3337C>T, p.Arg1113Cys (NM_001173431.2); short protein forms R1113C.
Identifiers: ClinVar variation 1583751 (VCV001583751.10), dbSNP rs182503055, ClinGen allele CA2130895.
Genomic context (GRCh38, chr2:219,558,349, plus strand): 5'-CCTCGGCACCCAGCTGCAGGGCATCTGATGCCTCCACTTCCAGCCCGTCCTTGTACCAGC[G>A]CACCTGAGACCCAGCTGGGGCCACCTCACAGCGCAGCTCCACGCGCCCTGGAGCCCCAAA-3'
Protein context (NP_056126.1, residues 1103-1123): CEVAPAGSQV[Arg1113Cys]WYKDGLEVEA